The following is an entry in ClinVar:

ClinVar aggregate classification (germline): Likely pathogenic (1 of 4 stars; one submission).

Submission:

GeneDx
Classification: Likely pathogenic. Last evaluated: 2021-07-20. Review status: criteria provided, single submitter. Criteria: GeneDx Variant Classification Process June 2021. Collection method: clinical testing. Allele origin: germline. Affected: yes.
Comment: Not observed at significant frequency in large population cohorts (Lek et al., 2016); In silico analysis supports a deleterious effect on splicing; In silico analysis supports that this missense variant has a deleterious effect on protein structure/function; This variant is associated with the following publications: (PMID: 29655203)

NM_001323289.2(CDKL5):c.526T>A (p.Trp176Arg)

Gene: CDKL5 (cyclin dependent kinase like 5; plus strand). Cytogenetic location: Xp22.13.
Variant type: single nucleotide variant.
Coding change: c.526T>A on transcript NM_001323289.2 (MANE Select); coding-DNA position 526, T replaced by A.
Protein change: p.Trp176Arg; replaces tryptophan 176 with arginine.
Molecular consequence: missense variant.
Genome position (GRCh38, 1-based): chrX:18,584,325, T>A. VCF-style: chrX-18584325-T-A. GRCh37 (hg19) VCF-style: chrX-18602445-T-A.
Other names: p.W176R:TGG>AGG; c.526T>A, p.Trp176Arg (NM_001037343.2, NM_003159.3); short protein forms W176R.
Identifiers: ClinVar variation 156603 (VCV000156603.4), dbSNP rs587783084, ClinGen allele CA294603.
Genomic context (GRCh38, chrX:18,584,325, plus strand): 5'-TTTGCTCGTAATCTGTCAGAAGGCAATAATGCTAATTACACAGAGTACGTTGCCACCAGA[T>A]GGTATCGGTCCCCAGAACTCTTACTTGGGTGAGTTACCGTCCCAAAATAGAATGACATTT-3'
Protein context (NP_001310218.1, residues 166-186): ANYTEYVATR[Trp176Arg]YRSPELLLGA